The following is an entry in ClinVar:

ClinVar aggregate classification (germline): Uncertain significance (1 of 4 stars; one submission).

Conditions:
Sulfite oxidase deficiency due to molybdenum cofactor deficiency type A. Also called: Molybdenum Cofactor Deficiency A; Molybdenum cofactor deficiency, complementation group A. Identifiers: Orphanet 308386, Orphanet 833, MedGen C1854988, MONDO:0009643, OMIM 252150.

gnomAD v4.1: 7 of 1,613,972 alleles (0.00043%); highest among the groups gnomAD compares: Non-Finnish European, 0.00051%; no homozygotes.

Submission:

Labcorp Genetics (formerly Invitae), Labcorp
Classification: Uncertain significance for Sulfite oxidase deficiency due to molybdenum cofactor deficiency type A. Last evaluated: 2021-08-30. Review status: criteria provided, single submitter. Criteria: Invitae Variant Classification Sherloc (09022015). Collection method: clinical testing. Allele origin: germline.
Comment: This sequence change replaces arginine with leucine at codon 162 of the MOCS1 protein (p.Arg162Leu). The arginine residue is highly conserved and there is a moderate physicochemical difference between arginine and leucine. This variant is present in population databases (rs374575232, ExAC 0.003%). This variant has not been reported in the literature in individuals affected with MOCS1-related conditions. Algorithms developed to predict the effect of missense changes on protein structure and function (SIFT, PolyPhen-2, Align-GVGD) all suggest that this variant is likely to be disruptive. In summary, the available evidence is currently insufficient to determine the role of this variant in disease. Therefore, it has been classified as a Variant of Uncertain Significance.

NM_001358530.2(MOCS1):c.485G>T (p.Arg162Leu)

Gene: MOCS1 (molybdenum cofactor synthesis 1; minus strand). Cytogenetic location: 6p21.2.
Variant type: single nucleotide variant.
Coding change: c.485G>T on transcript NM_001358530.2 (MANE Select); coding-DNA position 485, G replaced by T.
Protein change: p.Arg162Leu; replaces arginine 162 with leucine.
Molecular consequence: missense variant. On other transcripts: non-coding transcript variant (1).
Genome position (GRCh38, 1-based): chr6:39,916,166, C>A on the plus strand (G>T on the coding strand, the complement: MOCS1 is on the minus strand). VCF-style: chr6-39916166-C-A. GRCh37 (hg19) VCF-style: chr6-39883910-C-A.
Other names: c.485G>T, p.Arg162Leu (NM_001075098.4, NM_001358529.2, NM_005943.6); c.224G>T, p.Arg75Leu (NM_001358531.2, NM_001358533.2, NM_001358534.2); short protein forms R162L, R75L.
Identifiers: ClinVar variation 1005675 (VCV001005675.6), dbSNP rs374575232, ClinGen allele CA3796262.